The following is an entry in ClinVar:

ClinVar aggregate classification (germline): Likely benign (1 of 4 stars; one submission).

Allele frequency attached by ClinVar (database versions not stated): gnomAD 0.00077; TOPMed 0.00096; ESP Exome Variant Server 0.00123.
gnomAD v4.1: 1,312 of 1,614,114 alleles (0.081%); highest among the groups gnomAD compares: Non-Finnish European, 0.097%; 1 homozygote.

Submission:

CeGaT Center for Human Genetics Tuebingen
Classification: Likely benign. Last evaluated: 2024-01-01. Review status: criteria provided, single submitter. Criteria: CeGaT Center For Human Genetics Tuebingen Variant Classification Criteria Version 2. Collection method: clinical testing. Allele origin: germline. Affected: yes. Observed: 1 variant allele.
Comment: SRRM2: BS1

NM_016333.4(SRRM2):c.5267C>T (p.Thr1756Ile)

Gene: SRRM2 (serine/arginine repetitive matrix 2; plus strand). Cytogenetic location: 16p13.3.
Variant type: single nucleotide variant.
Coding change: c.5267C>T on transcript NM_016333.4 (MANE Select); coding-DNA position 5267, C replaced by T.
Protein change: p.Thr1756Ile; replaces threonine 1756 with isoleucine.
Molecular consequence: missense variant.
Genome position (GRCh38, 1-based): chr16:2,765,795, C>T. VCF-style: chr16-2765795-C-T. GRCh37 (hg19) VCF-style: chr16-2815796-C-T.
Other names: short protein forms T1756I.
Identifiers: ClinVar variation 3025289 (VCV003025289.22), dbSNP rs149231148, ClinGen allele CA7848454.